The following is an entry in ClinVar:

ClinVar aggregate classification (germline): Benign. Review status: criteria provided, multiple submitters, no conflicts (2 of 4 stars). 14 submissions from 10 submitters: Benign (13). 1 of the submissions does not count toward it. Last evaluated 2026-02-04.

Conditions:
Autosomal recessive limb-girdle muscular dystrophy type 2Q (LGMDR17). Also called: MUSCULAR DYSTROPHY, LIMB-GIRDLE, AUTOSOMAL RECESSIVE 17. Identifiers: Orphanet 254361, MedGen C3150989, MONDO:0013390, OMIM 613723.
Epidermolysis bullosa simplex 5C, with pyloric atresia (EBS5C). Also called: PLEC-Related Epidermolysis Bullosa with Pyloric Atresia; Epidermolysis bullosa simplex with pyloric atresia; PLEC1-Related Epidermolysis Bullosa with Pyloric Atresia. Identifiers: Orphanet 158684, MedGen C2677349, MONDO:0012807, OMIM 612138.
Epidermolysis bullosa simplex 5B, with muscular dystrophy (EBS5B). Also called: EPIDERMOLYSIS BULLOSA SIMPLEX AND LIMB-GIRDLE MUSCULAR DYSTROPHY; Epidermolysis bullosa simplex with muscular dystrophy. Identifiers: Orphanet 257, MedGen C2931072, MONDO:0009181, OMIM 226670.
Epidermolysis bullosa simplex with nail dystrophy (EBS5D). Identifiers: MedGen C4225309, MONDO:0014661, OMIM 616487.
Epidermolysis bullosa simplex, Ogna type (EBS5A). Also called: EPIDERMOLYSIS BULLOSA SIMPLEX 5A, OGNA TYPE; Pidermolysis bullosa simplex 5A, Ogna type. Identifiers: Orphanet 79401, MedGen C0432317, MONDO:0007555, OMIM 131950.

Allele frequency attached by ClinVar (database versions not stated): 1000 Genomes Project 30x 0.23095; 1000 Genomes Project 0.23263; ESP Exome Variant Server 0.27987; TOPMed 0.28317; gnomAD 0.29823.
gnomAD v4.1: 617,397 of 1,594,036 alleles (39%); highest among the groups gnomAD compares: Non-Finnish European, 42%; 125,862 homozygotes.

Submissions (14):

Labcorp Genetics (formerly Invitae), Labcorp
Classification: Benign for Autosomal recessive limb-girdle muscular dystrophy type 2Q; Epidermolysis bullosa simplex, Ogna type; Epidermolysis bullosa simplex with nail dystrophy; Epidermolysis bullosa simplex 5C, with pyloric atresia; Epidermolysis bullosa simplex 5B, with muscular dystrophy. Last evaluated: 2026-02-04. Review status: criteria provided, single submitter. Criteria: Invitae Variant Classification Sherloc (09022015). Collection method: clinical testing. Allele origin: germline.

Blueprint Genetics
Classification: Benign. Last evaluated: 2024-11-27. Review status: criteria provided, single submitter. Criteria: ACMG Guidelines, 2015. Collection method: clinical testing. Allele origin: germline.

Genome-Nilou Lab
Classification: Benign for Epidermolysis bullosa simplex with nail dystrophy. Last evaluated: 2021-10-25. Review status: criteria provided, single submitter. Criteria: ACMG Guidelines, 2015. Collection method: clinical testing. Allele origin: germline. Affected: no.

Genome-Nilou Lab
Classification: Benign for Epidermolysis bullosa simplex, Ogna type. Last evaluated: 2021-10-25. Review status: criteria provided, single submitter. Criteria: ACMG Guidelines, 2015. Collection method: clinical testing. Allele origin: germline. Affected: no.

Genome-Nilou Lab
Classification: Benign for Epidermolysis bullosa simplex 5B, with muscular dystrophy. Last evaluated: 2021-10-25. Review status: criteria provided, single submitter. Criteria: ACMG Guidelines, 2015. Collection method: clinical testing. Allele origin: germline. Affected: no.

Genome-Nilou Lab
Classification: Benign for Epidermolysis bullosa simplex 5C, with pyloric atresia. Last evaluated: 2021-10-25. Review status: criteria provided, single submitter. Criteria: ACMG Guidelines, 2015. Collection method: clinical testing. Allele origin: germline. Affected: no.

Genome-Nilou Lab
Classification: Benign for Autosomal recessive limb-girdle muscular dystrophy type 2Q. Last evaluated: 2021-10-25. Review status: criteria provided, single submitter. Criteria: ACMG Guidelines, 2015. Collection method: clinical testing. Allele origin: germline. Affected: no.

Mayo Clinic Laboratories, Mayo Clinic
Classification: Benign. Last evaluated: 2017-07-24. Review status: criteria provided, single submitter. Criteria: ACMG Guidelines, 2015. Collection method: clinical testing. Allele origin: germline. Observed: 789 variant alleles.

GeneDx
Classification: Benign. Last evaluated: 2015-03-03. Review status: criteria provided, single submitter. Criteria: GeneDx Variant Classification Process June 2021. Collection method: clinical testing. Allele origin: germline. Affected: yes.

Laboratory for Molecular Medicine, Mass General Brigham Personalized Medicine
Classification: Benign. Last evaluated: 2015-01-13. Review status: criteria provided, single submitter. Criteria: LMM Criteria. Collection method: clinical testing. Allele origin: germline. Observed: 9 variant alleles.
Comment: p.Ala1622Ala in exon 31 of PLEC: This variant is not expected to have clinical s ignificance because it does not alter an amino acid residue and is not located w ithin the splice consensus sequence. It has been identified in 37.5% (3006/8022) of European American chromosomes from a broad population by the NHLBI Exome Seq uencing Project (dbSNP rs56117011).

Eurofins Ntd Llc (ga)
Classification: Benign. Last evaluated: 2013-04-18. Review status: criteria provided, single submitter. Criteria: EGL Classification Definitions 2015. Collection method: clinical testing. Allele origin: germline. Observed: 20 variant alleles, 17 heterozygotes, 3 homozygotes.

Breakthrough Genomics
Classification: Benign. Review status: criteria provided, single submitter. Criteria: ACMG Guidelines, 2015. Collection method: not provided. Allele origin: germline. Inheritance: Autosomal recessive inheritance. Affected: yes.

PreventionGenetics, part of Exact Sciences
Classification: Benign. Review status: criteria provided, single submitter. Criteria: ACMG Guidelines, 2015. Collection method: clinical testing. Allele origin: germline.

Genetic Services Laboratory, University of Chicago
Classification: Likely benign for AllHighlyPenetrant. Review status: no assertion criteria provided. Collection method: clinical testing. Allele origin: germline. Inheritance: Autosomal recessive inheritance. Not counted in ClinVar's aggregate classification.
Comment: Likely benign based on allele frequency in 1000 Genomes Project or ESP global frequency and its presence in a patient with a rare or unrelated disease phenotype. NOT Sanger confirmed.

NM_201384.3(PLEC):c.4455T>G (p.Ala1485=)

Gene: PLEC (plectin; minus strand). Cytogenetic location: 8q24.3.
Variant type: single nucleotide variant.
Coding change: c.4455T>G on transcript NM_201384.3 (MANE Select); coding-DNA position 4455, T replaced by G.
Protein change: p.Ala1485=; no amino-acid change (alanine 1485 retained).
Molecular consequence: synonymous variant.
Genome position (GRCh38, 1-based): chr8:143,925,474, A>C on the plus strand (T>G on the coding strand, the complement: PLEC is on the minus strand). VCF-style: chr8-143925474-A-C. GRCh37 (hg19) VCF-style: chr8-144999642-A-C.
Other names: p.Ala1471=; c.4536T>G, p.Ala1512= (NM_000445.5); c.4413T>G, p.Ala1471= (NM_201378.4); c.4389T>G, p.Ala1463= (NM_201379.3); c.4866T>G, p.Ala1622= (NM_201380.4); c.4359T>G, p.Ala1453= (NM_201381.3); c.4455T>G, p.Ala1485= (NM_201382.4); c.4467T>G, p.Ala1489= (NM_201383.3).
Identifiers: ClinVar variation 93051 (VCV000093051.28), dbSNP rs56117011, ClinGen allele CA146374.